The following is an entry in ClinVar:

NM_004006.3(DMD):c.3371C>T (p.Ala1124Val)

Gene: DMD (dystrophin; minus strand). Cytogenetic location: Xp21.1.
Variant type: single nucleotide variant.
Coding change: c.3371C>T on transcript NM_004006.3 (MANE Select); coding-DNA position 3371, C replaced by T.
Protein change: p.Ala1124Val; replaces alanine 1124 with valine.
Molecular consequence: missense variant.
Genome position (GRCh38, 1-based): chrX:32,463,500, G>A on the plus strand (C>T on the coding strand, the complement: DMD is on the minus strand). VCF-style: chrX-32463500-G-A. GRCh37 (hg19) VCF-style: chrX-32481617-G-A.
Other names: c.3347C>T, p.Ala1116Val (NM_000109.4); c.3359C>T, p.Ala1120Val (NM_004009.3); c.3002C>T, p.Ala1001Val (NM_004010.3); short protein forms A1116V, A1124V, A1120V, A1001V.
Identifiers: ClinVar variation 4762528 (VCV004762528.1).

ClinVar aggregate classification (germline): Uncertain significance (1 of 4 stars; one submission).

Conditions:
Duchenne muscular dystrophy (DMD). Also called: MUSCULAR DYSTROPHY, PSEUDOHYPERTROPHIC PROGRESSIVE, DUCHENNE TYPE; Duchenne Muscular Dystrophy (DMD). Identifiers: Orphanet 98896, MedGen C0013264, MONDO:0010679, OMIM 310200.

gnomAD v4.1: 1 of 1,206,023 alleles (0.000083%); highest among the groups gnomAD compares: Non-Finnish European, 0.00011%; no homozygotes.

Submission:

Labcorp Genetics (formerly Invitae), Labcorp
Classification: Uncertain significance for Duchenne muscular dystrophy. Last evaluated: 2025-04-10. Review status: criteria provided, single submitter. Criteria: Invitae Variant Classification Sherloc (09022015). Collection method: clinical testing. Allele origin: germline.
Comment: This sequence change replaces alanine, which is neutral and non-polar, with valine, which is neutral and non-polar, at codon 1124 of the DMD protein (p.Ala1124Val). The frequency data for this variant in the population databases is considered unreliable, as metrics indicate poor data quality at this position in the gnomAD database. This variant has not been reported in the literature in individuals affected with DMD-related conditions. Invitae Evidence Modeling of protein sequence and biophysical properties (such as structural, functional, and spatial information, amino acid conservation, physicochemical variation, residue mobility, and thermodynamic stability) indicates that this missense variant is not expected to disrupt DMD protein function with a negative predictive value of 95%. In summary, the available evidence is currently insufficient to determine the role of this variant in disease. Therefore, it has been classified as a Variant of Uncertain Significance.